The following is an entry in ClinVar:

NM_001267550.2(TTN):c.103163G>A (p.Gly34388Asp)

Genes: TTN-AS1 (TTN antisense RNA 1; plus strand), TTN (titin; minus strand). Cytogenetic location: 2q31.2.
Variant type: single nucleotide variant.
Coding change: c.103163G>A on transcript NM_001267550.2 (MANE Select); coding-DNA position 103163, G replaced by A.
Protein change: p.Gly34388Asp; replaces glycine 34388 with aspartic acid.
Molecular consequence: missense variant.
Genome position (GRCh38, 1-based): chr2:178,533,452, C>T on the plus strand (G>A on the coding strand, the complement: TTN is on the minus strand). VCF-style: chr2-178533452-C-T. GRCh37 (hg19) VCF-style: chr2-179398179-C-T.
Other names: c.98240G>A, p.Gly32747Asp (NM_001256850.1); c.75968G>A, p.Gly25323Asp (NM_003319.4); c.95459G>A, p.Gly31820Asp (NM_133378.4); c.76343G>A, p.Gly25448Asp (NM_133432.3); c.76544G>A, p.Gly25515Asp (NM_133437.4); short protein forms G34388D, G32747D, G25323D, G25515D, G31820D, G25448D.
Identifiers: ClinVar variation 1475617 (VCV001475617.6), dbSNP rs760436734, ClinGen allele CA1985650.
Genomic context (GRCh38, chr2:178,533,452, plus strand): 5'-TTAGGCCCGAGGGACAGTGGCTGACCATCTTTCTCCCATTTTAATGTTGGTGGGGGGATG[C>T]CAGACACTCTGATCTCAAAGCAGACACTTTGGCCTTCTTGGCATTCTGCATTTGCCAGTA-3'
Protein context (NP_001254479.2, residues 34378-34398): QSVCFEIRVS[Gly34388Asp]IPPPTLKWEK

ClinVar aggregate classification (germline): Uncertain significance (1 of 4 stars; one submission).

Conditions:
Dilated cardiomyopathy 1G (CMD1G). Identifiers: Orphanet 154, MedGen C1858763, MONDO:0011400, OMIM 604145.
Autosomal recessive limb-girdle muscular dystrophy type 2J (LGMDR10). Also called: MUSCULAR DYSTROPHY, LIMB-GIRDLE, AUTOSOMAL RECESSIVE 10; Limb-girdle muscular dystrophy, type 2J. Identifiers: Orphanet 140922, MedGen C1837342, MONDO:0012127, OMIM 608807.

Allele frequency attached by ClinVar (database versions not stated): gnomAD exomes below 0.00001 and 0.00001; ExAC 0.00002.
gnomAD v4.1: 2 of 1,613,662 alleles (0.00012%); highest among the groups gnomAD compares: South Asian, 0.0011%; no homozygotes.

Submission:

Labcorp Genetics (formerly Invitae), Labcorp
Classification: Uncertain significance for Dilated cardiomyopathy 1G; Autosomal recessive limb-girdle muscular dystrophy type 2J. Last evaluated: 2021-10-31. Review status: criteria provided, single submitter. Criteria: Invitae Variant Classification Sherloc (09022015). Collection method: clinical testing. Allele origin: germline.
Comment: This variant has not been reported in the literature in individuals affected with TTN-related conditions. This variant is present in population databases (rs760436734, gnomAD 0.007%). This sequence change replaces glycine, which is neutral and non-polar, with aspartic acid, which is acidic and polar, at codon 34388 of the TTN protein (p.Gly34388Asp). This variant is located in the M band of TTN (PMID: 25589632). Variants in this region may be relevant for neuromuscular disorders, but have not been definitively shown to cause cardiomyopathy (PMID: 23975875). In summary, the available evidence is currently insufficient to determine the role of this variant in disease. Therefore, it has been classified as a Variant of Uncertain Significance. Experimental studies and prediction algorithms are not available or were not evaluated, and the functional significance of this variant is currently unknown.

Literature cited by the submitters: PubMed 25589632; PubMed 23975875.